The following is an entry in ClinVar:

NM_015559.3(SETBP1):c.3347A>C (p.His1116Pro)

Gene: SETBP1 (SET binding protein 1; plus strand). Cytogenetic location: 18q12.3.
Variant type: single nucleotide variant.
Coding change: c.3347A>C on transcript NM_015559.3 (MANE Select); coding-DNA position 3347, A replaced by C.
Protein change: p.His1116Pro; replaces histidine 1116 with proline.
Molecular consequence: missense variant.
Genome position (GRCh38, 1-based): chr18:44,952,687, A>C. VCF-style: chr18-44952687-A-C. GRCh37 (hg19) VCF-style: chr18-42532652-A-C.
Other names: c.3347A>C, p.His1116Pro (NM_001379141.1, NM_001379142.1, NM_001410862.1); short protein forms H1116P.
Identifiers: ClinVar variation 4540073 (VCV004540073.1).

ClinVar aggregate classification (germline): Uncertain significance (1 of 4 stars; one submission).

Submission:

GeneDx
Classification: Uncertain significance. Last evaluated: 2025-06-23. Review status: criteria provided, single submitter. Criteria: GeneDx Variant Classification Process June 2021. Collection method: clinical testing. Allele origin: germline. Affected: yes.
Comment: Not observed at significant frequency in large population cohorts (gnomAD); In silico analysis suggests that this missense variant does not alter protein structure/function; Has not been previously published as pathogenic or benign to our knowledge